The following is an entry in ClinVar:

NM_000143.4(FH):c.299A>T (p.Lys100Met)

Gene: FH (fumarate hydratase; minus strand). Cytogenetic location: 1q43.
Variant type: single nucleotide variant.
Coding change: c.299A>T on transcript NM_000143.4 (MANE Select); coding-DNA position 299, A replaced by T.
Protein change: p.Lys100Met; replaces lysine 100 with methionine.
Molecular consequence: missense variant.
Genome position (GRCh38, 1-based): chr1:241,513,682, T>A on the plus strand (A>T on the coding strand, the complement: FH is on the minus strand). VCF-style: chr1-241513682-T-A. GRCh37 (hg19) VCF-style: chr1-241676982-T-A.
Other names: short protein forms K100M.
Identifiers: ClinVar variation 2036208 (VCV002036208.4), dbSNP rs2527335295, ClinGen allele CA345440899.

ClinVar aggregate classification (germline): Uncertain significance (1 of 4 stars; one submission).

Submission:

Labcorp Genetics (formerly Invitae), Labcorp
Classification: Uncertain significance. Last evaluated: 2022-10-19. Review status: criteria provided, single submitter. Criteria: Invitae Variant Classification Sherloc (09022015). Collection method: clinical testing. Allele origin: germline.
Comment: In summary, the available evidence is currently insufficient to determine the role of this variant in disease. Therefore, it has been classified as a Variant of Uncertain Significance. Advanced modeling of protein sequence and biophysical properties (such as structural, functional, and spatial information, amino acid conservation, physicochemical variation, residue mobility, and thermodynamic stability) performed at Invitae indicates that this missense variant is expected to disrupt FH protein function. This variant has not been reported in the literature in individuals affected with FH-related conditions. This variant is not present in population databases (gnomAD no frequency). This sequence change replaces lysine, which is basic and polar, with methionine, which is neutral and non-polar, at codon 100 of the FH protein (p.Lys100Met).